The following is an entry in ClinVar:

ClinVar aggregate classification (germline): Likely benign. Review status: criteria provided, multiple submitters, no conflicts (2 of 4 stars). 2 submissions from 2 submitters: Likely benign (2). Last evaluated 2024-10-01.

Conditions:
Immunodeficiency, common variable, 7. Identifiers: Orphanet 1572, Orphanet 696894, MedGen C3542922, MONDO:0013862, OMIM 614699.

Allele frequency attached by ClinVar (database versions not stated): gnomAD exomes below 0.00001 and 0.00001; ESP Exome Variant Server 0.00008.
gnomAD v4.1: 16 of 1,613,788 alleles (0.00099%); highest among the groups gnomAD compares: African/African-American, 0.0013%; no homozygotes.

Submissions (2):

CeGaT Center for Human Genetics Tuebingen
Classification: Likely benign. Last evaluated: 2024-10-01. Review status: criteria provided, single submitter. Criteria: CeGaT Center For Human Genetics Tuebingen Variant Classification Criteria Version 2. Collection method: clinical testing. Allele origin: germline. Affected: yes. Observed: 1 variant allele.
Comment: CR2: BP4, BP7

Labcorp Genetics (formerly Invitae), Labcorp
Classification: Likely benign for Immunodeficiency, common variable, 7. Last evaluated: 2023-11-27. Review status: criteria provided, single submitter. Criteria: Invitae Variant Classification Sherloc (09022015). Collection method: clinical testing. Allele origin: germline.

NM_001006658.3(CR2):c.1653G>A (p.Thr551=)

Gene: CR2 (complement C3d receptor 2; plus strand). Cytogenetic location: 1q32.2.
Variant type: single nucleotide variant.
Coding change: c.1653G>A on transcript NM_001006658.3 (MANE Select); coding-DNA position 1653, G replaced by A.
Protein change: p.Thr551=; no amino-acid change (threonine 551 retained).
Molecular consequence: synonymous variant.
Genome position (GRCh38, 1-based): chr1:207,472,854, G>A. VCF-style: chr1-207472854-G-A. GRCh37 (hg19) VCF-style: chr1-207646199-G-A.
Other names: c.1653G>A, p.Thr551= (NM_001877.5).
Identifiers: ClinVar variation 1517539 (VCV001517539.22), dbSNP rs373293174, ClinGen allele CA36652116.